The following is an entry in ClinVar:

ClinVar aggregate classification (germline): Pathogenic (1 of 4 stars; one submission).

Submission:

Labcorp Genetics (formerly Invitae), Labcorp
Classification: Pathogenic. Last evaluated: 2024-09-25. Review status: criteria provided, single submitter. Criteria: Invitae Variant Classification Sherloc (09022015). Collection method: clinical testing. Allele origin: germline.
Comment: This sequence change creates a premature translational stop signal (p.Ser2317*) in the ATR gene. It is expected to result in an absent or disrupted protein product. Loss-of-function variants in ATR are known to be pathogenic (PMID: 21228398, 23144622). This variant is not present in population databases (gnomAD no frequency). This variant has not been reported in the literature in individuals affected with ATR-related conditions. For these reasons, this variant has been classified as Pathogenic.

Literature cited by the submitters: PubMed 21228398; PubMed 23144622.

NM_001184.4(ATR):c.6950C>G (p.Ser2317Ter)

Gene: ATR (ATR checkpoint kinase; minus strand). Cytogenetic location: 3q23.
Variant type: single nucleotide variant.
Coding change: c.6950C>G on transcript NM_001184.4 (MANE Select); coding-DNA position 6950, C replaced by G.
Protein change: p.Ser2317Ter; replaces serine 2317 with a stop codon.
Molecular consequence: nonsense.
Genome position (GRCh38, 1-based): chr3:142,465,188, G>C on the plus strand (C>G on the coding strand, the complement: ATR is on the minus strand). VCF-style: chr3-142465188-G-C. GRCh37 (hg19) VCF-style: chr3-142184030-G-C.
Other names: c.6758C>G, p.Ser2253Ter (NM_001354579.2); short protein forms S2253*, S2317*.
Identifiers: ClinVar variation 3621512 (VCV003621512.2).